The following is an entry in ClinVar:

ClinVar aggregate classification (germline): Uncertain significance. Review status: criteria provided, multiple submitters, no conflicts (2 of 4 stars). 2 submissions from 2 submitters: Uncertain significance (2). Last evaluated 2023-06-23.

Conditions:
INO80-related disorder. Also called: INO80-related condition.

Allele frequency attached by ClinVar (database versions not stated): gnomAD 0.00001; TOPMed 0.00003.
gnomAD v4.1: 2 of 1,613,868 alleles (0.00012%); highest among the groups gnomAD compares: Admixed American, 0.0033%; no homozygotes.

Submissions (2):

PreventionGenetics, part of Exact Sciences
Classification: Uncertain significance for INO80-related condition. Last evaluated: 2023-06-23. Review status: criteria provided, single submitter. Criteria: ACMG Guidelines, 2015. Collection method: clinical testing. Allele origin: germline.
Comment: The INO80 c.4018G>C variant is predicted to result in the amino acid substitution p.Ala1340Pro. To our knowledge, this variant has not been reported in the literature or in a large population database, indicating this variant is rare. At this time, the clinical significance of this variant is uncertain due to the absence of conclusive functional and genetic evidence.

New York Genome Center
Classification: Uncertain significance. Last evaluated: 2020-07-03. Review status: criteria provided, single submitter. Criteria: NYGC Assertion Criteria 2020. Collection method: clinical testing. Allele origin: inherited. Observed: 1 heterozygote. Study: CSER-NYCKidSeq.

NM_017553.3(INO80):c.4018G>C (p.Ala1340Pro)

Gene: INO80 (INO80 complex ATPase subunit; minus strand). Cytogenetic location: 15q15.1.
Variant type: single nucleotide variant.
Coding change: c.4018G>C on transcript NM_017553.3 (MANE Select); coding-DNA position 4018, G replaced by C.
Protein change: p.Ala1340Pro; replaces alanine 1340 with proline.
Molecular consequence: missense variant. On other transcripts: non-coding transcript variant (1).
Genome position (GRCh38, 1-based): chr15:40,984,256, C>G on the plus strand (G>C on the coding strand, the complement: INO80 is on the minus strand). VCF-style: chr15-40984256-C-G. GRCh37 (hg19) VCF-style: chr15-41276454-C-G.
Other names: c.4018G>C (NM_017553.2); short protein forms A1340P.
Identifiers: ClinVar variation 1184374 (VCV001184374.2), dbSNP rs1893939420, ClinGen allele CA391795892.